The following is an entry in ClinVar:

ClinVar aggregate classification (germline): Uncertain significance (1 of 4 stars; one submission).

Conditions:
Kabuki syndrome 2 (KABUK2). Also called: KDM6A-Related Kabuki Syndrome. Identifiers: Orphanet 2322, MedGen C3275495, MONDO:0010465, OMIM 300867.

Submission:

Labcorp Genetics (formerly Invitae), Labcorp
Classification: Uncertain significance for Kabuki syndrome 2. Last evaluated: 2025-08-04. Review status: criteria provided, single submitter. Criteria: Invitae Variant Classification Sherloc (09022015). Collection method: clinical testing. Allele origin: germline.
Comment: This sequence change replaces threonine, which is neutral and polar, with isoleucine, which is neutral and non-polar, at codon 413 of the KDM6A protein (p.Thr413Ile). This variant is not present in population databases (gnomAD no frequency). This variant has not been reported in the literature in individuals affected with KDM6A-related conditions. Invitae Evidence Modeling of protein sequence and biophysical properties (such as structural, functional, and spatial information, amino acid conservation, physicochemical variation, residue mobility, and thermodynamic stability) indicates that this missense variant is not expected to disrupt KDM6A protein function with a negative predictive value of 80%. In summary, the available evidence is currently insufficient to determine the role of this variant in disease. Therefore, it has been classified as a Variant of Uncertain Significance.

NM_001291415.2(KDM6A):c.1238C>T (p.Thr413Ile)

Gene: KDM6A (lysine demethylase 6A; plus strand). Cytogenetic location: Xp11.3.
Variant type: single nucleotide variant.
Coding change: c.1238C>T on transcript NM_001291415.2 (MANE Select); coding-DNA position 1238, C replaced by T.
Protein change: p.Thr413Ile; replaces threonine 413 with isoleucine.
Molecular consequence: missense variant. On other transcripts: intron variant (6).
Genome position (GRCh38, 1-based): chrX:45,060,065, C>T. VCF-style: chrX-45060065-C-T. GRCh37 (hg19) VCF-style: chrX-44919310-C-T.
Other names: c.1238C>T, p.Thr413Ile (NM_001410742.1, NM_001419809.1, NM_001419810.1 and 4 more transcripts); c.1195-544C>T (NM_001419811.1, NM_001291416.2); c.1194+599C>T (NM_001291417.2, NM_001419815.1, NM_001291418.2); c.441+599C>T (NM_001291421.2); short protein forms T413I.
Identifiers: ClinVar variation 4742992 (VCV004742992.1).